The following is an entry in ClinVar:

NM_004782.4(SNAP29):c.435-3A>G

Gene: SNAP29 (synaptosome associated protein 29; plus strand). Cytogenetic location: 22q11.21.
Variant type: single nucleotide variant.
Coding change: c.435-3A>G on transcript NM_004782.4 (MANE Select); 3 bases into the intron before coding-DNA position 435, A replaced by G.
Molecular consequence: intron variant.
Genome position (GRCh38, 1-based): chr22:20,881,046, A>G. VCF-style: chr22-20881046-A-G. GRCh37 (hg19) VCF-style: chr22-21235334-A-G.
Identifiers: ClinVar variation 1030838 (VCV001030838.1), dbSNP rs1928878744, ClinGen allele CA2396586229.

ClinVar aggregate classification (germline): Uncertain significance (1 of 4 stars; one submission).

Conditions:
CEDNIK syndrome. Also called: Cerebral dysgenesis, neuropathy, ichthyosis, and palmoplantar keratoderma; CEREBRAL DYSGENESIS, NEUROPATHY, ICHTHYOSIS, AND PALMOPLANTAR KERATODERMA SYNDROME. Identifiers: Orphanet 66631, MedGen C1836033, MONDO:0012290, OMIM 609528.

Allele frequency attached by ClinVar (database versions not stated): gnomAD exomes below 0.00001.
gnomAD v4.1: 4 of 1,599,732 alleles (0.00025%); highest among the groups gnomAD compares: East Asian, 0.0022%; no homozygotes.

Submission:

Baylor Genetics
Classification: Uncertain significance for CEDNIK syndrome. Last evaluated: 2019-12-16. Review status: criteria provided, single submitter. Criteria: ACMG Guidelines, 2015. Collection method: clinical testing. Allele origin: unknown. Affected: yes.
Comment: This variant was determined to be of uncertain significance according to ACMG Guidelines, 2015 [PMID:25741868].